The following is an entry in ClinVar:

NM_018109.4(MTPAP):c.512G>C (p.Arg171Pro)

Gene: MTPAP (mitochondrial poly(A) polymerase; minus strand). Cytogenetic location: 10p11.23.
Variant type: single nucleotide variant.
Coding change: c.512G>C on transcript NM_018109.4 (MANE Select); coding-DNA position 512, G replaced by C.
Protein change: p.Arg171Pro; replaces arginine 171 with proline.
Molecular consequence: missense variant.
Genome position (GRCh38, 1-based): chr10:30,340,269, C>G on the plus strand (G>C on the coding strand, the complement: MTPAP is on the minus strand). VCF-style: chr10-30340269-C-G. GRCh37 (hg19) VCF-style: chr10-30629198-C-G.
Other names: short protein forms R171P.
Identifiers: ClinVar variation 1382416 (VCV001382416.6), dbSNP rs1414230576, ClinGen allele CA376427851.

ClinVar aggregate classification (germline): Uncertain significance (1 of 4 stars; one submission).

Submission:

Labcorp Genetics (formerly Invitae), Labcorp
Classification: Uncertain significance. Last evaluated: 2022-11-22. Review status: criteria provided, single submitter. Criteria: Invitae Variant Classification Sherloc (09022015). Collection method: clinical testing. Allele origin: germline.
Comment: In summary, the available evidence is currently insufficient to determine the role of this variant in disease. Therefore, it has been classified as a Variant of Uncertain Significance. Advanced modeling of protein sequence and biophysical properties (such as structural, functional, and spatial information, amino acid conservation, physicochemical variation, residue mobility, and thermodynamic stability) performed at Invitae indicates that this missense variant is not expected to disrupt MTPAP protein function. ClinVar contains an entry for this variant (Variation ID: 1382416). This variant has not been reported in the literature in individuals affected with MTPAP-related conditions. This variant is not present in population databases (gnomAD no frequency). This sequence change replaces arginine, which is basic and polar, with proline, which is neutral and non-polar, at codon 171 of the MTPAP protein (p.Arg171Pro).